The following is an entry in ClinVar:

NM_194248.3(OTOF):c.4312del (p.Asp1438fs)

Gene: OTOF (otoferlin; minus strand). Cytogenetic location: 2p23.3.
Variant type: Deletion.
Coding change: c.4312del on transcript NM_194248.3 (MANE Select); coding-DNA position 4312, one base deleted (G; older notation c.4312delG).
Protein change: p.Asp1438fs; shifts the reading frame from aspartic acid 1438.
Molecular consequence: frameshift variant.
Genome position (GRCh38, 1-based): chr2:26,467,149, C deleted on the plus strand (G on the coding strand, the reverse complement: OTOF is on the minus strand); the first of 4 consecutive C bases (chr2:26,467,149-26,467,152); deleting any one gives the same sequence. VCF-style (leftmost placement, unchanged base first): chr2-26467148-TC-T. GRCh37 (hg19) VCF-style: chr2-26690016-TC-T.
Other names: c.4312del, p.Asp1438fs (NM_001287489.2); c.2011del, p.Asp671fs (NM_004802.4, NM_194323.3); c.2242del, p.Asp748fs (NM_194322.3); short protein forms D1438fs, D671fs, D748fs.
Identifiers: ClinVar variation 3620793 (VCV003620793.2), dbSNP rs2148030624.

ClinVar aggregate classification (germline): Pathogenic (1 of 4 stars; one submission).

Submission:

Labcorp Genetics (formerly Invitae), Labcorp
Classification: Pathogenic. Last evaluated: 2025-04-13. Review status: criteria provided, single submitter. Criteria: Invitae Variant Classification Sherloc (09022015). Collection method: clinical testing. Allele origin: germline.
Comment: This sequence change creates a premature translational stop signal (p.Asp1438Metfs*84) in the OTOF gene. It is expected to result in an absent or disrupted protein product. Loss-of-function variants in OTOF are known to be pathogenic (PMID: 18381613, 19250381, 22575033). This variant is not present in population databases (gnomAD no frequency). This variant has not been reported in the literature in individuals affected with OTOF-related conditions. ClinVar contains an entry for this variant (Variation ID: 3620793). For these reasons, this variant has been classified as Pathogenic.

Literature cited by the submitters: PubMed 18381613; PubMed 19250381; PubMed 22575033.